The following is an entry in ClinVar:

ClinVar aggregate classification (germline): Uncertain significance (1 of 4 stars; one submission).

Conditions:
Autoimmune interstitial lung disease-arthritis syndrome. Also called: Autoinflammation and autoimmunity, systemic, with immune dysregulation. Identifiers: Orphanet 444092, MedGen C5975714, MONDO:0014629.

Allele frequency attached by ClinVar (database versions not stated): gnomAD exomes below 0.00001.
gnomAD v4.1: 2 of 1,607,024 alleles (0.00012%); highest among the groups gnomAD compares: Non-Finnish European, 0.00017%; no homozygotes.

Submission:

Labcorp Genetics (formerly Invitae), Labcorp
Classification: Uncertain significance for Autoimmune interstitial lung disease-arthritis syndrome. Last evaluated: 2022-12-20. Review status: criteria provided, single submitter. Criteria: Invitae Variant Classification Sherloc (09022015). Collection method: clinical testing. Allele origin: germline.
Comment: This sequence change replaces arginine, which is basic and polar, with cysteine, which is neutral and slightly polar, at codon 233 of the COPA protein (p.Arg233Cys). This variant is not present in population databases (gnomAD no frequency). This variant has not been reported in the literature in individuals affected with COPA-related conditions. Advanced modeling of protein sequence and biophysical properties (such as structural, functional, and spatial information, amino acid conservation, physicochemical variation, residue mobility, and thermodynamic stability) performed at Invitae indicates that this missense variant is expected to disrupt COPA protein function. This variant disrupts the p.Arg233 amino acid residue in COPA. Other variant(s) that disrupt this residue have been determined to be pathogenic (PMID: 25894502). This suggests that this residue is clinically significant, and that variants that disrupt this residue are likely to be disease-causing. In summary, the available evidence is currently insufficient to determine the role of this variant in disease. Therefore, it has been classified as a Variant of Uncertain Significance.

Literature cited by the submitters: PubMed 25894502.

NM_004371.4(COPA):c.697C>T (p.Arg233Cys)

Gene: COPA (coat protein complex I subunit alpha; minus strand). Cytogenetic location: 1q23.2.
Variant type: single nucleotide variant.
Coding change: c.697C>T on transcript NM_004371.4 (MANE Select); coding-DNA position 697, C replaced by T.
Protein change: p.Arg233Cys; replaces arginine 233 with cysteine.
Molecular consequence: missense variant.
Genome position (GRCh38, 1-based): chr1:160,323,440, G>A on the plus strand (C>T on the coding strand, the complement: COPA is on the minus strand). VCF-style: chr1-160323440-G-A. GRCh37 (hg19) VCF-style: chr1-160293230-G-A.
Other names: c.697C>T, p.Arg233Cys (NM_001098398.2); short protein forms R233C.
Identifiers: ClinVar variation 2161425 (VCV002161425.4), dbSNP rs2525434407, ClinGen allele CA343266624.